The following is an entry in ClinVar:

NM_001378452.1(ITPR1):c.1769T>C (p.Leu590Ser)

Gene: ITPR1 (inositol 1,4,5-trisphosphate receptor type 1; plus strand). Cytogenetic location: 3p26.1.
Variant type: single nucleotide variant.
Coding change: c.1769T>C on transcript NM_001378452.1 (MANE Select); coding-DNA position 1769, T replaced by C.
Protein change: p.Leu590Ser; replaces leucine 590 with serine.
Molecular consequence: missense variant.
Genome position (GRCh38, 1-based): chr3:4,667,432, T>C. VCF-style: chr3-4667432-T-C. GRCh37 (hg19) VCF-style: chr3-4709116-T-C.
Other names: c.1769T>C, p.Leu590Ser (NM_001099952.4); c.1724T>C, p.Leu575Ser (NM_001168272.2, NM_002222.7); short protein forms L575S, L590S.
Identifiers: ClinVar variation 4527696 (VCV004527696.1).

ClinVar aggregate classification (germline): Uncertain significance (1 of 4 stars; one submission).

Submission:

GeneDx
Classification: Uncertain significance. Last evaluated: 2025-05-01. Review status: criteria provided, single submitter. Criteria: GeneDx Variant Classification Process June 2021. Collection method: clinical testing. Allele origin: germline. Affected: yes.
Comment: Not observed at significant frequency in large population cohorts (gnomAD); In silico analysis supports that this missense variant has a deleterious effect on protein structure/function; Has not been previously published as pathogenic or benign to our knowledge